The following is an entry in ClinVar:

ClinVar aggregate classification (germline): Conflicting classifications of pathogenicity. Review status: criteria provided, conflicting classifications (1 of 4 stars). 4 submissions from 4 submitters: Uncertain significance (2); Likely benign (2). Last evaluated 2025-07-30.

Conditions:
Hereditary nonpolyposis colorectal neoplasms. Identifiers: MedGen C0009405, MeSH D003123.
Breast and/or ovarian cancer. Identifiers: MedGen CN221562.
Hereditary cancer-predisposing syndrome. Also called: Neoplastic Syndromes, Hereditary; Tumor predisposition; Hereditary Cancer Syndrome; Hereditary neoplastic syndrome. Identifiers: Orphanet 140162, MedGen C0027672, MeSH D009386, MONDO:0015356.

Submissions (4):

Color Diagnostics, LLC DBA Color Health
Classification: Likely benign for Hereditary cancer-predisposing syndrome. Last evaluated: 2025-07-30. Review status: criteria provided, single submitter. Criteria: ACMG Guidelines, 2015. Collection method: clinical testing. Allele origin: germline.

Ambry Genetics
Classification: Uncertain significance for Hereditary cancer-predisposing syndrome. Last evaluated: 2025-03-07. Review status: criteria provided, single submitter. Criteria: Ambry Variant Classification Scheme 2023. Collection method: clinical testing. Allele origin: germline.
Comment: The p.V800I variant (also known as c.2398G>A), located in coding exon 4 of the MSH6 gene, results from a G to A substitution at nucleotide position 2398. The valine at codon 800 is replaced by isoleucine, an amino acid with highly similar properties. This amino acid position is poorly conserved in available vertebrate species. In addition, this alteration is predicted to be tolerated by in silico analysis. Based on the available evidence, the clinical significance of this variant remains unclear.

Labcorp Genetics (formerly Invitae), Labcorp
Classification: Likely benign for Hereditary nonpolyposis colorectal neoplasms. Last evaluated: 2023-07-17. Review status: criteria provided, single submitter. Criteria: Invitae Variant Classification Sherloc (09022015). Collection method: clinical testing. Allele origin: germline.

CHEO Genetics Diagnostic Laboratory, Children's Hospital of Eastern Ontario
Classification: Uncertain significance for Breast and/or ovarian cancer. Last evaluated: 2023-06-29. Review status: criteria provided, single submitter. Criteria: ACMG Guidelines, 2015. Collection method: clinical testing. Allele origin: germline.

NM_000179.3(MSH6):c.2398G>A (p.Val800Ile)

Gene: MSH6 (mutS homolog 6; plus strand). Cytogenetic location: 2p16.3.
Variant type: single nucleotide variant.
Coding change: c.2398G>A on transcript NM_000179.3 (MANE Select); coding-DNA position 2398, G replaced by A.
Protein change: p.Val800Ile; replaces valine 800 with isoleucine.
Molecular consequence: missense variant.
Genome position (GRCh38, 1-based): chr2:47,800,381, G>A. VCF-style: chr2-47800381-G-A. GRCh37 (hg19) VCF-style: chr2-48027520-G-A.
Other names: c.2008G>A, p.Val670Ile (NM_001281492.2); c.1492G>A, p.Val498Ile (NM_001281493.2, NM_001281494.2); short protein forms V670I, V498I, V800I.
Identifiers: ClinVar variation 821214 (VCV000821214.12), dbSNP rs61748083, ClinGen allele CA068922.